The following is an entry in ClinVar:

NM_000321.3(RB1):c.2289A>T (p.Arg763Ser)

Gene: RB1 (RB transcriptional corepressor 1; plus strand). Cytogenetic location: 13q14.2.
Variant type: single nucleotide variant.
Coding change: c.2289A>T on transcript NM_000321.3 (MANE Select); coding-DNA position 2289, A replaced by T.
Protein change: p.Arg763Ser; replaces arginine 763 with serine.
Molecular consequence: missense variant.
Genome position (GRCh38, 1-based): chr13:48,465,075, A>T. VCF-style: chr13-48465075-A-T. GRCh37 (hg19) VCF-style: chr13-49039211-A-T.
Other names: short protein forms R763S.
Identifiers: ClinVar variation 458143 (VCV000458143.25), dbSNP rs1167280920, ClinGen allele CA388167657.

ClinVar aggregate classification (germline): Conflicting classifications of pathogenicity. Review status: criteria provided, conflicting classifications (1 of 4 stars). 7 submissions from 7 submitters: Uncertain significance (5); Benign (1); Likely benign (1). Last evaluated 2025-10-23.

Conditions:
Hereditary cancer-predisposing syndrome. Also called: Neoplastic Syndromes, Hereditary; Tumor predisposition; Hereditary Cancer Syndrome; Hereditary neoplastic syndrome. Identifiers: Orphanet 140162, MedGen C0027672, MeSH D009386, MONDO:0015356.
Malignant tumor of urinary bladder. Also called: Urinary Bladder Neoplasms; Bladder cancer; Urinary bladder cancer. Identifiers: MedGen C0005684, MONDO:0001187, OMIM 109800.
Retinoblastoma (RB1). Also called: RETINOBLASTOMA, SOMATIC. Identifiers: Orphanet 790, MedGen C0035335, MeSH D012175, MONDO:0008380, OMIM 180200, HP:0009919. Disease mechanism: loss of function. Inheritance: Both sporadic and heritable forms are tested..

Allele frequency attached by ClinVar (database versions not stated): gnomAD 0.00001; gnomAD exomes 0.00001 and 0.00002; TOPMed 0.00001.
gnomAD v4.1: 38 of 1,612,320 alleles (0.0024%); highest among the groups gnomAD compares: Non-Finnish European, 0.0031%; no homozygotes.

Submissions (7):

Labcorp Genetics (formerly Invitae), Labcorp
Classification: Likely benign for Retinoblastoma. Last evaluated: 2025-10-23. Review status: criteria provided, single submitter. Criteria: Invitae Variant Classification Sherloc (09022015). Collection method: clinical testing. Allele origin: germline.

GeneDx
Classification: Uncertain significance. Last evaluated: 2024-07-12. Review status: criteria provided, single submitter. Criteria: GeneDx Variant Classification Process June 2021. Collection method: clinical testing. Allele origin: germline. Affected: yes.
Comment: Not observed at significant frequency in large population cohorts (gnomAD); In silico analysis indicates that this missense variant does not alter protein structure/function; Has not been previously published as pathogenic or benign to our knowledge; This variant is associated with the following publications: (PMID: 23516486)

Ambry Genetics
Classification: Benign for Hereditary cancer-predisposing syndrome. Last evaluated: 2024-05-09. Review status: criteria provided, single submitter. Criteria: Ambry Variant Classification Scheme 2023. Collection method: clinical testing. Allele origin: germline.

All of Us Research Program, National Institutes of Health
Classification: Uncertain significance for Retinoblastoma. Last evaluated: 2024-04-16. Review status: criteria provided, single submitter. Criteria: ACMG Guidelines, 2015. Collection method: clinical testing. Allele origin: germline. Inheritance: Autosomal dominant inheritance. Observed: 2 variant alleles, 2 heterozygotes.
Comment: This missense variant replaces arginine with serine at codon 763 of the RB1 protein. Computational prediction suggests that this variant may not impact protein structure and function (internally defined REVEL score threshold <= 0.5, PMID: 27666373). To our knowledge, functional studies have not been reported for this variant. This variant has not been reported in individuals affected with hereditary cancer in the literature. This variant has been identified in 2/251366 chromosomes in the general population by the Genome Aggregation Database (gnomAD). The available evidence is insufficient to determine the role of this variant in disease conclusively. Therefore, this variant is classified as a Variant of Uncertain Significance.

This study involves interpretation of variants in research participants for the purpose of population health screening. Participant phenotype was not available at the time of variant classification. Additional details can be found in publication PMID: 35346344, PMCID: PMC8962531

Color Diagnostics, LLC DBA Color Health
Classification: Uncertain significance for Retinoblastoma. Last evaluated: 2024-03-06. Review status: criteria provided, single submitter. Criteria: ACMG Guidelines, 2015. Collection method: clinical testing. Allele origin: germline.
Comment: This missense variant replaces arginine with serine at codon 763 of the RB1 protein. Computational prediction suggests that this variant may not impact protein structure and function. To our knowledge, functional studies have not been reported for this variant. This variant has not been reported in individuals affected with hereditary cancer in the literature. This variant has been identified in 2/251366 chromosomes in the general population by the Genome Aggregation Database (gnomAD). The available evidence is insufficient to determine the role of this variant in disease conclusively. Therefore, this variant is classified as a Variant of Uncertain Significance.

Baylor Genetics
Classification: Uncertain significance for Malignant tumor of urinary bladder. Last evaluated: 2023-08-01. Review status: criteria provided, single submitter. Criteria: ACMG Guidelines, 2015. Collection method: clinical testing. Allele origin: unknown.

Illumina Laboratory Services, Illumina
Classification: Uncertain significance for Retinoblastoma. Last evaluated: 2018-02-02. Review status: criteria provided, single submitter. Criteria: ICSL Variant Classification Criteria 13 December 2019. Collection method: clinical testing. Allele origin: germline.